The following is an entry in ClinVar:

ClinVar aggregate classification (germline): Pathogenic (1 of 4 stars; one submission).

Conditions:
Severe myoclonic epilepsy in infancy (DRVT). Also called: DEVELOPMENTAL AND EPILEPTIC ENCEPHALOPATHY 6A; Severe Myoclonic Epilepsy in Infancy (SMEI); Dravet syndrome; Epileptic encephalopathy, early infantile, 6 (Dravet syndrome); SEVERE MYOCLONIC EPILEPSY OF INFANCY. Identifiers: Orphanet 33069, MedGen C0751122, MONDO:0100135, OMIM 607208.

Submission:

Women's Health and Genetics/Laboratory Corporation of America, LabCorp
Classification: Pathogenic for Severe myoclonic epilepsy in infancy. Last evaluated: 2017-01-25. Review status: criteria provided, single submitter. Criteria: LabCorp Variant Classification Summary - May 2015. Collection method: clinical testing. Allele origin: germline.
Comment: Variant summary: The SCN1A c.126delA (p.Asp43Metfs) variant results in a premature termination codon, predicted to cause a truncated or absent SCN1A protein due to nonsense mediated decay, which are commonly known mechanisms for disease ACMG, PVS1). Truncations downstream of this position have been classified as pathogenic by our laboratory (e.g.c.664C>T/p.Arg222X; c.1561C>T/p.Gln521X). This variant has been reported in multiple SMEI patients. One in silico tool predicts a damaging outcome for this variant. This variant is absent in 121410 control chromosomes (ACMG, PM2). Taken together, this variant is classified as Pathogenic.

Literature cited by the submitters: PubMed 23195492; PubMed 20491869; PubMed 23884151; PubMed 18930999.

NM_001165963.4(SCN1A):c.126del (p.Asp43fs)

Gene: SCN1A (sodium voltage-gated channel alpha subunit 1; minus strand). Cytogenetic location: 2q24.3.
Variant type: Deletion.
Coding change: c.126del on transcript NM_001165963.4 (MANE Select); coding-DNA position 126, one base deleted (A; older notation c.126delA).
Protein change: p.Asp43fs; shifts the reading frame from aspartic acid 43.
Molecular consequence: frameshift variant. On other transcripts: 5 prime UTR variant (1), non-coding transcript variant (1).
Genome position (GRCh38, 1-based): chr2:166,073,496, T deleted on the plus strand (A on the coding strand, the reverse complement: SCN1A is on the minus strand); the first of 6 consecutive T bases (chr2:166,073,496-166,073,501); deleting any one gives the same sequence. VCF-style (leftmost placement, unchanged base first): chr2-166073495-CT-C. GRCh37 (hg19) VCF-style: chr2-166930005-CT-C.
Other names: c.126del, p.Asp43fs (NM_001165964.3, NM_001202435.3, NM_001353948.2 and 10 more transcripts); c.-2300del (NM_001353961.2); short protein forms D43fs.
Identifiers: ClinVar variation 496115 (VCV000496115.1), dbSNP rs1553560831, ClinGen allele CA658683270.
Genomic context (GRCh38, chr2:166,073,495, plus strand): 5'-ATGGAAGGTTCTTTCCAGCTTCCAAGTCACTATTTGGCTTTGGGCCATTTTCGTCGTCAT[CT>C]TTTTTGTCTGGTTTGGGATTCTTTGCCTTTTCTTCTGCAATGCGTCTTTCAATAGCCGCA-3'